The following is an entry in ClinVar:

ClinVar aggregate classification (germline): Uncertain significance (1 of 4 stars; one submission).

Allele frequency attached by ClinVar (database versions not stated): gnomAD exomes below 0.00001; TOPMed 0.00001.
gnomAD v4.1: 3 of 1,614,140 alleles (0.00019%); highest among the groups gnomAD compares: African/African-American, 0.004%; no homozygotes.

Submission:

GeneDx
Classification: Uncertain significance. Last evaluated: 2022-12-14. Review status: criteria provided, single submitter. Criteria: GeneDx Variant Classification Process June 2021. Collection method: clinical testing. Allele origin: germline. Affected: yes.
Comment: Not observed at significant frequency in large population cohorts (gnomAD); In silico analysis supports that this missense variant has a deleterious effect on protein structure/function; Has not been previously published as pathogenic or benign to our knowledge

NM_001394062.1(MACF1):c.11489C>T (p.Ala3830Val)

Gene: MACF1 (microtubule actin crosslinking factor 1; plus strand). Cytogenetic location: 1p34.3.
Variant type: single nucleotide variant.
Coding change: c.11489C>T on transcript NM_001394062.1 (MANE Select); coding-DNA position 11489, C replaced by T.
Protein change: p.Ala3830Val; replaces alanine 3830 with valine.
Molecular consequence: missense variant.
Genome position (GRCh38, 1-based): chr1:39,357,439, C>T. VCF-style: chr1-39357439-C-T. GRCh37 (hg19) VCF-style: chr1-39823111-C-T.
Other names: c.5303C>T, p.Ala1768Val (NM_012090.5); short protein forms A1768V, A3830V.
Identifiers: ClinVar variation 2505986 (VCV002505986.1), dbSNP rs1157866304, ClinGen allele CA339817799.